The following is an entry in ClinVar:

NM_005228.5(EGFR):c.1726C>G (p.Pro576Ala)

Gene: EGFR (epidermal growth factor receptor; plus strand). Cytogenetic location: 7p11.2.
Variant type: single nucleotide variant.
Coding change: c.1726C>G on transcript NM_005228.5 (MANE Select); coding-DNA position 1726, C replaced by G.
Protein change: p.Pro576Ala; replaces proline 576 with alanine.
Molecular consequence: missense variant.
Genome position (GRCh38, 1-based): chr7:55,165,283, C>G. VCF-style: chr7-55165283-C-G. GRCh37 (hg19) VCF-style: chr7-55232976-C-G.
Other names: c.1726C>G, p.Pro576Ala (NM_201284.2, NM_001346898.2, NM_201282.2); c.1591C>G, p.Pro531Ala (NM_001346897.2, NM_001346899.2); c.1567C>G, p.Pro523Ala (NM_001346900.2); c.925C>G, p.Pro309Ala (NM_001346941.2); short protein forms P309A, P531A, P523A, P576A.
Identifiers: ClinVar variation 4824478 (VCV004824478.1).
Genomic context (GRCh38, chr7:55,165,283, plus strand): 5'-ATTTTGAAAGAGAAAAGAAAGAGACATGCATGAACATTTTTCTCCACCTTGGTGCAGGGA[C>G]CAGACAACTGTATCCAGTGTGCCCACTACATTGACGGCCCCCACTGCGTCAAGACCTGCC-3'
Protein context (NP_005219.2, residues 566-586): AMNITCTGRG[Pro576Ala]DNCIQCAHYI

ClinVar aggregate classification (germline): Uncertain significance (1 of 4 stars; one submission).

Conditions:
Hereditary cancer-predisposing syndrome. Also called: Neoplastic Syndromes, Hereditary; Hereditary neoplastic syndrome; Tumor predisposition; Hereditary Cancer Syndrome. Identifiers: Orphanet 140162, MedGen C0027672, MeSH D009386, MONDO:0015356.

Submission:

Ambry Genetics
Classification: Uncertain significance for Hereditary cancer-predisposing syndrome. Last evaluated: 2026-02-11. Review status: criteria provided, single submitter. Criteria: Ambry Variant Classification Scheme 2023. Collection method: clinical testing. Allele origin: germline.
Comment: The p.P576A variant (also known as c.1726C>G), located in coding exon 15 of the EGFR gene, results from a C to G substitution at nucleotide position 1726. The proline at codon 576 is replaced by alanine, an amino acid with highly similar properties. This amino acid position is not well conserved in available vertebrate species. In addition, this alteration is predicted to be tolerated by in silico analysis. Based on the available evidence, the clinical significance of this variant remains unclear.